The following is an entry in ClinVar:

ClinVar aggregate classification (germline): Uncertain significance (1 of 4 stars; one submission).

Conditions:
Baller-Gerold syndrome (BGS). Also called: CRANIOSYNOSTOSIS WITH RADIAL DEFECTS. Identifiers: Orphanet 1225, MedGen C0265308, MONDO:0009039, OMIM 218600.

Submission:

Labcorp Genetics (formerly Invitae), Labcorp
Classification: Uncertain significance for Baller-Gerold syndrome. Last evaluated: 2023-02-24. Review status: criteria provided, single submitter. Criteria: Invitae Variant Classification Sherloc (09022015). Collection method: clinical testing. Allele origin: germline.
Comment: In summary, the available evidence is currently insufficient to determine the role of this variant in disease. Therefore, it has been classified as a Variant of Uncertain Significance. Advanced modeling of protein sequence and biophysical properties (such as structural, functional, and spatial information, amino acid conservation, physicochemical variation, residue mobility, and thermodynamic stability) performed at Invitae indicates that this missense variant is not expected to disrupt RECQL4 protein function. This variant has not been reported in the literature in individuals affected with RECQL4-related conditions. This variant is not present in population databases (gnomAD no frequency). This sequence change replaces arginine, which is basic and polar, with proline, which is neutral and non-polar, at codon 647 of the RECQL4 protein (p.Arg647Pro).

NM_004260.4(RECQL4):c.1940G>C (p.Arg647Pro)

Gene: RECQL4 (RecQ like helicase 4; minus strand). Cytogenetic location: 8q24.3.
Variant type: single nucleotide variant.
Coding change: c.1940G>C on transcript NM_004260.4 (MANE Select); coding-DNA position 1940, G replaced by C.
Protein change: p.Arg647Pro; replaces arginine 647 with proline.
Molecular consequence: missense variant. On other transcripts: non-coding transcript variant (3).
Genome position (GRCh38, 1-based): chr8:144,514,046, C>G on the plus strand (G>C on the coding strand, the complement: RECQL4 is on the minus strand). VCF-style: chr8-144514046-C-G. GRCh37 (hg19) VCF-style: chr8-145739430-C-G.
Other names: c.869G>C, p.Arg290Pro (NM_001413035.1, NM_001413038.1, NM_001413040.1 and 6 more transcripts); c.1940G>C, p.Arg647Pro (NM_001413036.1, NM_001413018.1, NM_001413019.1); c.737G>C, p.Arg246Pro (NM_001413037.1); c.1910G>C, p.Arg637Pro (NM_001413039.1); c.803G>C, p.Arg268Pro (NM_001413041.1, NM_001413027.1, NM_001413030.1 and 1 more transcripts); c.839G>C, p.Arg280Pro (NM_001413042.1); c.473G>C, p.Arg158Pro (NM_001413043.1); c.1844G>C, p.Arg615Pro (NM_001413017.1, NM_001413020.1); and 4 more; short protein forms R158P, R290P, R603P, R604P, R637P, R246P, R268P, R530P.
Identifiers: ClinVar variation 2840342 (VCV002840342.3), dbSNP rs372664774, ClinGen allele CA372680450.